The following is an entry in ClinVar:

ClinVar aggregate classification (germline): Uncertain significance (1 of 4 stars; one submission).

Allele frequency attached by ClinVar (database versions not stated): gnomAD exomes below 0.00001.
gnomAD v4.1: 3 of 1,614,238 alleles (0.00019%); highest among the groups gnomAD compares: Non-Finnish European, 0.00025%; no homozygotes.

Submission:

Labcorp Genetics (formerly Invitae), Labcorp
Classification: Uncertain significance. Last evaluated: 2022-05-19. Review status: criteria provided, single submitter. Criteria: Invitae Variant Classification Sherloc (09022015). Collection method: clinical testing. Allele origin: germline.
Comment: This sequence change replaces histidine, which is basic and polar, with leucine, which is neutral and non-polar, at codon 424 of the SLC30A10 protein (p.His424Leu). This variant is not present in population databases (gnomAD no frequency). This variant has not been reported in the literature in individuals affected with SLC30A10-related conditions. Algorithms developed to predict the effect of missense changes on protein structure and function output the following: SIFT: "Tolerated"; PolyPhen-2: "Benign"; Align-GVGD: "Class C0". The leucine amino acid residue is found in multiple mammalian species, which suggests that this missense change does not adversely affect protein function. In summary, the available evidence is currently insufficient to determine the role of this variant in disease. Therefore, it has been classified as a Variant of Uncertain Significance.

NM_018713.3(SLC30A10):c.1271A>T (p.His424Leu)

Gene: SLC30A10 (solute carrier family 30 member 10; minus strand). Cytogenetic location: 1q41.
Variant type: single nucleotide variant.
Coding change: c.1271A>T on transcript NM_018713.3 (MANE Select); coding-DNA position 1271, A replaced by T.
Protein change: p.His424Leu; replaces histidine 424 with leucine.
Molecular consequence: missense variant. On other transcripts: non-coding transcript variant (2).
Genome position (GRCh38, 1-based): chr1:219,915,636, T>A on the plus strand (A>T on the coding strand, the complement: SLC30A10 is on the minus strand). VCF-style: chr1-219915636-T-A. GRCh37 (hg19) VCF-style: chr1-220088978-T-A.
Other names: c.1082A>T, p.His361Leu (NM_001376929.1); c.596A>T, p.His199Leu (NM_001416004.1, NM_001416005.1); short protein forms H424L, H199L, H361L.
Identifiers: ClinVar variation 1996501 (VCV001996501.1), dbSNP rs2527852517, ClinGen allele CA344731630.